The following is an entry in ClinVar:

NM_000313.4(PROS1):c.362G>A (p.Cys121Tyr)

Gene: PROS1 (protein S; minus strand). Cytogenetic location: 3q11.1.
Variant type: single nucleotide variant.
Coding change: c.362G>A on transcript NM_000313.4 (MANE Select); coding-DNA position 362, G replaced by A.
Protein change: p.Cys121Tyr; replaces cysteine 121 with tyrosine.
Molecular consequence: missense variant.
Genome position (GRCh38, 1-based): chr3:93,906,128, C>T on the plus strand (G>A on the coding strand, the complement: PROS1 is on the minus strand). VCF-style: chr3-93906128-C-T. GRCh37 (hg19) VCF-style: chr3-93624972-C-T.
Other names: p.Cys121Tyr; c.458G>A, p.Cys153Tyr (NM_001314077.2); short protein forms C121Y, C153Y.
Identifiers: ClinVar variation 4540904 (VCV004540904.1).
Genomic context (GRCh38, chr3:93,906,128, plus strand): 5'-AAAGAAGCTTTTCCATCTTTGCAGCTCATATATCCATCTTCATTGCATGGCAGAGGACTA[C>T]ACTGGTCTGGAATGGCTGAAGGAAATAGACATCTATTTATTTTTTTTATCTCATGTCATG-3'
Protein context (NP_000304.2, residues 111-131): RSCVNAIPDQ[Cys121Tyr]SPLPCNEDGY

ClinVar aggregate classification (germline): Pathogenic (1 of 4 stars; one submission).

Submission:

Mayo Clinic Laboratories, Mayo Clinic
Classification: Pathogenic. Last evaluated: 2025-09-08. Review status: criteria provided, single submitter. Criteria: ACMG Guidelines, 2015. Collection method: clinical testing. Allele origin: germline. Observed: 1 variant allele.
Comment: PP3_strong, PP4, PM1, PM2_supporting, PS3

Literature cited by the submitters: PubMed 15238143; PubMed 16961607; PubMed 17849042.